The following is an entry in ClinVar:

NM_000256.3(MYBPC3):c.3215T>G (p.Leu1072Arg)

Gene: MYBPC3 (myosin binding protein C3; minus strand). Cytogenetic location: 11p11.2.
Variant type: single nucleotide variant.
Coding change: c.3215T>G on transcript NM_000256.3 (MANE Select); coding-DNA position 3215, T replaced by G.
Protein change: p.Leu1072Arg; replaces leucine 1072 with arginine.
Molecular consequence: missense variant.
Genome position (GRCh38, 1-based): chr11:47,333,309, A>C on the plus strand (T>G on the coding strand, the complement: MYBPC3 is on the minus strand). VCF-style: chr11-47333309-A-C. GRCh37 (hg19) VCF-style: chr11-47354860-A-C.
Other names: short protein forms L1072R.
Identifiers: ClinVar variation 2780211 (VCV002780211.3), dbSNP rs2495740465, ClinGen allele CA380314459.

ClinVar aggregate classification (germline): Uncertain significance (1 of 4 stars; one submission).

Conditions:
Hypertrophic cardiomyopathy. Also called: HYPERTROPHIC MYOCARDIOPATHY. Identifiers: Orphanet 217569, MedGen C0007194, MeSH D002312, MONDO:0005045, HP:0001639.

Submission:

Labcorp Genetics (formerly Invitae), Labcorp
Classification: Uncertain significance for Hypertrophic cardiomyopathy. Last evaluated: 2023-07-13. Review status: criteria provided, single submitter. Criteria: Invitae Variant Classification Sherloc (09022015). Collection method: clinical testing. Allele origin: germline.
Comment: An algorithm developed to predict the effect of missense changes on protein structure and function (PolyPhen-2) suggests that this variant is likely to be disruptive. This sequence change replaces leucine, which is neutral and non-polar, with arginine, which is basic and polar, at codon 1072 of the MYBPC3 protein (p.Leu1072Arg). This variant is not present in population databases (gnomAD no frequency). This missense change has been observed in individual(s) with hypertrophic cardiomyopathy (PMID: 32815737). In summary, the available evidence is currently insufficient to determine the role of this variant in disease. Therefore, it has been classified as a Variant of Uncertain Significance.

Literature cited by the submitters: PubMed 32815737.